The following is an entry in ClinVar:

NM_152419.3(HGSNAT):c.675T>G (p.Asp225Glu)

Gene: HGSNAT (heparan-alpha-glucosaminide N-acetyltransferase; plus strand). Cytogenetic location: 8p11.21.
Variant type: single nucleotide variant.
Coding change: c.675T>G on transcript NM_152419.3 (MANE Select); coding-DNA position 675, T replaced by G.
Protein change: p.Asp225Glu; replaces aspartic acid 225 with glutamic acid.
Molecular consequence: missense variant. On other transcripts: 5 prime UTR variant (1).
Genome position (GRCh38, 1-based): chr8:43,170,626, T>G. VCF-style: chr8-43170626-T-G. GRCh37 (hg19) VCF-style: chr8-43025769-T-G.
Other names: c.675T>G (NM_152419.2); c.675T>G, p.Asp225Glu (NM_001363227.2, NM_001363228.2); c.-159T>G (NM_001363229.2); short protein forms D225E.
Identifiers: ClinVar variation 2193049 (VCV002193049.2), dbSNP rs951025520, ClinGen allele CA176064762.

ClinVar aggregate classification (germline): Uncertain significance. Review status: criteria provided, multiple submitters, no conflicts (2 of 4 stars). 2 submissions from 2 submitters: Uncertain significance (2). Last evaluated 2022-10-17.

Conditions:
Inborn genetic diseases. Identifiers: MedGen C0950123, MeSH D030342.
Retinitis pigmentosa 73 (RP73). Identifiers: Orphanet 791, MedGen C4225287, MONDO:0014687, OMIM 616544.
Mucopolysaccharidosis, MPS-III-C (MPS3C). Also called: SANFILIPPO SYNDROME C; MPS III C; MUCOPOLYSACCHARIDOSIS, TYPE IIIC; Mucopolysaccharidosis type IIIC (Sanfilippo C); mucopolysaccharidosis type 3C; MPS IIIC (Sanfilippo Syndrome Type C). Identifiers: Orphanet 581, Orphanet 79271, MedGen C0086649, MONDO:0009657, OMIM 252930.

Allele frequency attached by ClinVar (database versions not stated): TOPMed 0.00001.

Submissions (2):

Labcorp Genetics (formerly Invitae), Labcorp
Classification: Uncertain significance for Retinitis pigmentosa 73; Mucopolysaccharidosis, MPS-III-C. Last evaluated: 2022-10-17. Review status: criteria provided, single submitter. Criteria: Invitae Variant Classification Sherloc (09022015). Collection method: clinical testing. Allele origin: germline.
Comment: This sequence change replaces aspartic acid, which is acidic and polar, with glutamic acid, which is acidic and polar, at codon 225 of the HGSNAT protein (p.Asp225Glu). This variant is present in population databases (no rsID available, gnomAD 0.006%). This variant has not been reported in the literature in individuals affected with HGSNAT-related conditions. Advanced modeling of protein sequence and biophysical properties (such as structural, functional, and spatial information, amino acid conservation, physicochemical variation, residue mobility, and thermodynamic stability) performed at Invitae indicates that this missense variant is not expected to disrupt HGSNAT protein function. In summary, the available evidence is currently insufficient to determine the role of this variant in disease. Therefore, it has been classified as a Variant of Uncertain Significance.

Ambry Genetics
Classification: Uncertain significance for Inborn genetic diseases. Last evaluated: 2022-04-14. Review status: criteria provided, single submitter. Criteria: Ambry Variant Classification Scheme 2023. Collection method: clinical testing. Allele origin: germline.